The following is an entry in ClinVar:

ClinVar aggregate classification (germline): Likely pathogenic (1 of 4 stars; one submission).

Conditions:
GABRG2-related disorder. Also called: GABRG2-related condition.

Submission:

PreventionGenetics, part of Exact Sciences
Classification: Likely pathogenic for GABRG2-related condition. Last evaluated: 2026-05-25. Review status: criteria provided, single submitter. Criteria: ACMG Guidelines, 2015. Collection method: clinical testing. Allele origin: germline.
Comment: The GABRG2 c.333C>G variant is predicted to result in premature protein termination (p.Tyr111*). To our knowledge, this variant has not been reported in the literature or in a large population database (gnomAD), indicating this variant is rare. Other truncating variants in the 5' and 3' region of this variant have been reported in patients with developmental and epileptic encephalopathy or febrile seizures (HGMD database; Boillot et al. 2015. PubMed ID: 27066572; Kang et al. 2009. PubMed ID: 19261880). Nonsense variants in GABRG2 are expected to be pathogenic. This variant is interpreted as likely pathogenic.

NM_198904.4(GABRG2):c.333C>G (p.Tyr111Ter)

Gene: GABRG2 (gamma-aminobutyric acid type A receptor subunit gamma2; plus strand). Cytogenetic location: 5q34.
Variant type: single nucleotide variant.
Coding change: c.333C>G on transcript NM_198904.4 (MANE Select); coding-DNA position 333, C replaced by G.
Protein change: p.Tyr111Ter; replaces tyrosine 111 with a stop codon.
Molecular consequence: nonsense. On other transcripts: intron variant (2).
Genome position (GRCh38, 1-based): chr5:162,097,643, C>G. VCF-style: chr5-162097643-C-G. GRCh37 (hg19) VCF-style: chr5-161524649-C-G.
Other names: c.333C>G, p.Tyr111Ter (NM_000816.3, NM_001375340.1, NM_001375341.1 and 4 more transcripts); c.324C>G, p.Tyr108Ter (NM_001375339.1); c.267C>G, p.Tyr89Ter (NM_001375345.1, NM_001375346.1); c.246C>G, p.Tyr82Ter (NM_001375347.1); c.48C>G, p.Tyr16Ter (NM_001375349.1); c.-31-57C>G (NM_001375350.1, NM_001375348.1); short protein forms Y82*, Y108*, Y111*, Y16*, Y89*.
Identifiers: ClinVar variation 4988002 (VCV004988002.1).
Genomic context (GRCh38, chr5:162,097,643, plus strand): 5'-TAAAAAGATAATCTTACTGTGTACAAATTTTCTGTTTATCATTTTATTAAAACAGGAATA[C>G]ACTATTGATATATTTTTTGCGCAAACGTGGTATGACAGACGTTTGAAATTTAACAGCACC-3'